The following is an entry in ClinVar:

ClinVar aggregate classification (germline): Uncertain significance (1 of 4 stars; one submission).

Submission:

Mayo Clinic Laboratories, Mayo Clinic
Classification: Uncertain significance. Last evaluated: 2023-05-17. Review status: criteria provided, single submitter. Criteria: ACMG Guidelines, 2015. Collection method: clinical testing. Allele origin: germline. Observed: 1 variant allele.
Comment: PM2_supporting

NM_000093.5(COL5A1):c.859G>A (p.Gly287Arg)

Gene: COL5A1 (collagen type V alpha 1 chain; plus strand). Cytogenetic location: 9q34.3.
Variant type: single nucleotide variant.
Coding change: c.859G>A on transcript NM_000093.5 (MANE Select); coding-DNA position 859, G replaced by A.
Protein change: p.Gly287Arg; replaces glycine 287 with arginine.
Molecular consequence: missense variant.
Genome position (GRCh38, 1-based): chr9:134,728,742, G>A. VCF-style: chr9-134728742-G-A. GRCh37 (hg19) VCF-style: chr9-137620588-G-A.
Other names: p.Gly287Arg; c.859G>A, p.Gly287Arg (NM_001278074.1); short protein forms G287R.
Identifiers: ClinVar variation 2683087 (VCV002683087.1), dbSNP rs2490492550, ClinGen allele CA375447322.
Genomic context (GRCh38, chr9:134,728,742, plus strand): 5'-GACGGCGAGGGTGAGACCTATTACTACGAATACCCCTACTACGAAGACCCCGAAGACCTA[G>A]GGAAGGAGCCCACCCCCAGCAAGAAGCCCGTGGAAGCTGCCAAAGAAACCACAGAGGTCC-3'
Protein context (NP_000084.3, residues 277-297): YPYYEDPEDL[Gly287Arg]KEPTPSKKPV